The following is an entry in ClinVar:

NM_004385.5(VCAN):c.4625T>C (p.Leu1542Pro)

Genes: VCAN-AS1 (VCAN antisense RNA 1; minus strand), VCAN (versican; plus strand). Cytogenetic location: 5q14.3.
Variant type: single nucleotide variant.
Coding change: c.4625T>C on transcript NM_004385.5 (MANE Select); coding-DNA position 4625, T replaced by C.
Protein change: p.Leu1542Pro; replaces leucine 1542 with proline.
Molecular consequence: missense variant. On other transcripts: intron variant (2).
Genome position (GRCh38, 1-based): chr5:83,537,628, T>C. VCF-style: chr5-83537628-T-C. GRCh37 (hg19) VCF-style: chr5-82833447-T-C.
Other names: c.1664T>C, p.Leu555Pro (NM_001164097.2); c.4004-7909T>C (NM_001164098.2); c.1043-7909T>C (NM_001126336.3); short protein forms L555P, L1542P.
Identifiers: ClinVar variation 2875845 (VCV002875845.3), dbSNP rs1349189124, ClinGen allele CA360308658.
Genomic context (GRCh38, chr5:83,537,628, plus strand): 5'-TCACAGAGAGAGATACTGAAGTTGGTCATCAGGCACATGAACATACTGAACCTGTATCTC[T>C]GTTTCCTGAAGAGTCTTCAGGAGAGATTGCCATTGACCAAGAATCTCAGAAAATAGCCTT-3'
Protein context (NP_004376.2, residues 1532-1552): QAHEHTEPVS[Leu1542Pro]FPEESSGEIA

ClinVar aggregate classification (germline): Uncertain significance (1 of 4 stars; one submission).

Allele frequency attached by ClinVar (database versions not stated): gnomAD exomes below 0.00001; gnomAD 0.00001; TOPMed 0.00002.
gnomAD v4.1: 4 of 1,613,844 alleles (0.00025%); highest among the groups gnomAD compares: East Asian, 0.0089%; no homozygotes.

Submission:

Labcorp Genetics (formerly Invitae), Labcorp
Classification: Uncertain significance. Last evaluated: 2023-12-18. Review status: criteria provided, single submitter. Criteria: Invitae Variant Classification Sherloc (09022015). Collection method: clinical testing. Allele origin: germline.
Comment: This sequence change replaces leucine, which is neutral and non-polar, with proline, which is neutral and non-polar, at codon 1542 of the VCAN protein (p.Leu1542Pro). The frequency data for this variant in the population databases is considered unreliable, as metrics indicate poor data quality at this position in the gnomAD database. This variant has not been reported in the literature in individuals affected with VCAN-related conditions. Algorithms developed to predict the effect of missense changes on protein structure and function output the following: SIFT: "Not Available"; PolyPhen-2: "Benign"; Align-GVGD: "Not Available". The proline amino acid residue is found in multiple mammalian species, which suggests that this missense change does not adversely affect protein function. In summary, the available evidence is currently insufficient to determine the role of this variant in disease. Therefore, it has been classified as a Variant of Uncertain Significance.